The following is an entry in ClinVar:

ClinVar aggregate classification (germline): Uncertain significance. Review status: criteria provided, multiple submitters, no conflicts (2 of 4 stars). 5 submissions from 5 submitters: Uncertain significance (4). 1 of the submissions does not count toward it. Last evaluated 2025-12-14.

Conditions:
Inborn genetic diseases. Identifiers: MedGen C0950123, MeSH D030342.
EYS-related disorder. Also called: EYS-related condition.
Retinitis pigmentosa (RP). Identifiers: Orphanet 791, MedGen C0035334, MeSH D012174, MONDO:0019200, OMIM 268000. Inheritance: Autosomal dominant, autosomal recessive and X linked inheritance.

Allele frequency attached by ClinVar (database versions not stated): gnomAD exomes 0.00002; TOPMed 0.00004; gnomAD 0.00007.
gnomAD v4.1: 42 of 1,551,220 alleles (0.0027%); highest among the groups gnomAD compares: African/African-American, 0.045%; no homozygotes.

Submissions (5):

PreventionGenetics, part of Exact Sciences
Classification: Uncertain significance for EYS-related condition. Last evaluated: 2025-12-14. Review status: criteria provided, single submitter. Criteria: ACMG Guidelines, 2015. Collection method: clinical testing. Allele origin: germline.
Comment: The EYS c.5189G>A variant is predicted to result in the amino acid substitution p.Gly1730Glu. To our knowledge, this variant has not been reported in the literature. This variant is reported in 0.018% of alleles in individuals of African descent in gnomAD. At this time, the clinical significance of this variant is uncertain due to the absence of conclusive functional and genetic evidence.

Ambry Genetics
Classification: Uncertain significance for Inborn genetic diseases. Last evaluated: 2025-05-18. Review status: criteria provided, single submitter. Criteria: Ambry Variant Classification Scheme 2023. Collection method: clinical testing. Allele origin: germline.

Blueprint Genetics
Classification: Uncertain significance. Last evaluated: 2024-11-13. Review status: criteria provided, single submitter. Criteria: ACMG Guidelines, 2015. Collection method: clinical testing. Allele origin: germline.

Labcorp Genetics (formerly Invitae), Labcorp
Classification: Uncertain significance. Last evaluated: 2022-10-05. Review status: criteria provided, single submitter. Criteria: Invitae Variant Classification Sherloc (09022015). Collection method: clinical testing. Allele origin: germline.
Comment: This sequence change replaces glycine, which is neutral and non-polar, with glutamic acid, which is acidic and polar, at codon 1730 of the EYS protein (p.Gly1730Glu). This variant is present in population databases (no rsID available, gnomAD 0.02%). This variant has not been reported in the literature in individuals affected with EYS-related conditions. ClinVar contains an entry for this variant (Variation ID: 855932). Algorithms developed to predict the effect of missense changes on protein structure and function output the following: SIFT: "Tolerated"; PolyPhen-2: "Benign"; Align-GVGD: "Class C0". The glutamic acid amino acid residue is found in multiple mammalian species, which suggests that this missense change does not adversely affect protein function. In summary, the available evidence is currently insufficient to determine the role of this variant in disease. Therefore, it has been classified as a Variant of Uncertain Significance.

Natera, Inc.
Classification: Uncertain significance for Retinitis pigmentosa. Last evaluated: 2020-09-16. Review status: no assertion criteria provided. Collection method: clinical testing. Allele origin: germline. Not counted in ClinVar's aggregate classification.

NM_001142800.2(EYS):c.5189G>A (p.Gly1730Glu)

Gene: EYS (EGF-like photoreceptor maintenance factor; minus strand). Cytogenetic location: 6q12.
Variant type: single nucleotide variant.
Coding change: c.5189G>A on transcript NM_001142800.2 (MANE Select); coding-DNA position 5189, G replaced by A.
Protein change: p.Gly1730Glu; replaces glycine 1730 with glutamic acid.
Molecular consequence: missense variant.
Genome position (GRCh38, 1-based): chr6:64,590,678, C>T on the plus strand (G>A on the coding strand, the complement: EYS is on the minus strand). VCF-style: chr6-64590678-C-T. GRCh37 (hg19) VCF-style: chr6-65300571-C-T.
Other names: c.5189G>A, p.Gly1730Glu (NM_001292009.2); short protein forms G1730E.
Identifiers: ClinVar variation 855932 (VCV000855932.7), dbSNP rs927928681, ClinGen allele CA140340903.
Genomic context (GRCh38, chr6:64,590,678, plus strand): 5'-AAGTTTAACTCAAAATCCAGAGAACTATCACTTGGGTGAAGTTTGAACAGTGTATGAGAT[C>T]CTTTACTTTTTTCCATGTCCAATAAGCTCTCTTGATTTAGTACCTCAGTGGGTCCCATAG-3'
Protein context (NP_001136272.1, residues 1720-1740): ESLLDMEKSK[Gly1730Glu]SHTLFKLHPS